The following is an entry in ClinVar:

ClinVar aggregate classification (germline): Likely benign (1 of 4 stars; one submission).

Submission:

CeGaT Center for Human Genetics Tuebingen
Classification: Likely benign. Last evaluated: 2024-11-01. Review status: criteria provided, single submitter. Criteria: CeGaT Center For Human Genetics Tuebingen Variant Classification Criteria Version 2. Collection method: clinical testing. Allele origin: germline. Affected: yes. Observed: 1 variant allele.
Comment: NXF2: PM2:Supporting, BP4, BP7

NM_022053.4(NXF2):c.1779C>T (p.Cys593=)

Gene: NXF2 (nuclear RNA export factor 2; plus strand). Cytogenetic location: Xq22.1.
Variant type: single nucleotide variant.
Coding change: c.1779C>T on transcript NM_022053.4 (MANE Select); coding-DNA position 1779, C replaced by T.
Protein change: p.Cys593=; no amino-acid change (cysteine 593 retained).
Molecular consequence: synonymous variant.
Genome position (GRCh38, 1-based): chrX:102,326,266, C>T. VCF-style: chrX-102326266-C-T. GRCh37 (hg19) VCF-style: chrX-101581180-C-T.
Identifiers: ClinVar variation 3388541 (VCV003388541.14).